The following is an entry in ClinVar:

ClinVar aggregate classification (germline): Benign. Review status: criteria provided, multiple submitters, no conflicts (2 of 4 stars). 3 submissions from 3 submitters: Benign (3). Last evaluated 2026-01-27.

Allele frequency attached by ClinVar (database versions not stated): TOPMed 0.54624; 1000 Genomes Project 30x 0.64319; ESP Exome Variant Server 0.49474; ExAC 0.51902; gnomAD exomes 0.43304 and 0.50447; 1000 Genomes Project 0.64617; gnomAD 0.53220 and 0.53465.
gnomAD v4.1: 689,506 of 1,551,522 alleles (44%); highest among the groups gnomAD compares: East Asian, 86%; 163,237 homozygotes.

Submissions (3):

Labcorp Genetics (formerly Invitae), Labcorp
Classification: Benign. Last evaluated: 2026-01-27. Review status: criteria provided, single submitter. Criteria: Invitae Variant Classification Sherloc (09022015). Collection method: clinical testing. Allele origin: germline.

GeneDx
Classification: Benign. Last evaluated: 2018-03-24. Review status: criteria provided, single submitter. Criteria: GeneDx Variant Classification (06012015). Collection method: clinical testing. Allele origin: germline. Affected: yes.
Comment: This variant is considered likely benign or benign based on one or more of the following criteria: it is a conservative change, it occurs at a poorly conserved position in the protein, it is predicted to be benign by multiple in silico algorithms, and/or has population frequency not consistent with disease.

Breakthrough Genomics
Classification: Benign. Review status: criteria provided, single submitter. Criteria: ACMG Guidelines, 2015. Collection method: not provided. Allele origin: germline. Inheritance: Unknown mechanism. Affected: yes.

NM_001291088.2(WDR87):c.3258G>A (p.Pro1086=)

Gene: WDR87 (WD repeat domain 87; minus strand). Cytogenetic location: 19q13.13.
Variant type: single nucleotide variant.
Coding change: c.3258G>A on transcript NM_001291088.2 (MANE Select); coding-DNA position 3258, G replaced by A.
Protein change: p.Pro1086=; no amino-acid change (proline 1086 retained).
Molecular consequence: synonymous variant.
Genome position (GRCh38, 1-based): chr19:37,891,688, C>T on the plus strand (G>A on the coding strand, the complement: WDR87 is on the minus strand). VCF-style: chr19-37891688-C-T. GRCh37 (hg19) VCF-style: chr19-38382328-C-T.
Other names: c.3141G>A, p.Pro1047= (NM_031951.5).
Identifiers: ClinVar variation 677193 (VCV000677193.10), dbSNP rs953370, ClinGen allele CA9408740.
Genomic context (GRCh38, chr19:37,891,688, plus strand): 5'-TGTAGGAGGTTTCAGGGAGGATTTAAGTTCAGAAGGCATTGAGACATCTAAAGAAAAAGC[C>T]GGCTTTTCATCTCTATGTGACAGGGTCAGGTTTTCATTCAATCTCTGCTCCACTTGAGTG-3'
Protein context (NP_001278017.1, residues 1076-1096): NLTLSHRDEK[Pro1086=]AFSLDVSMPS